The following is an entry in ClinVar:

NM_005450.6(NOG):c.668C>G (p.Pro223Arg)

Gene: NOG (noggin; plus strand). Cytogenetic location: 17q22.
Variant type: single nucleotide variant.
Coding change: c.668C>G on transcript NM_005450.6 (MANE Select); coding-DNA position 668, C replaced by G.
Protein change: p.Pro223Arg; replaces proline 223 with arginine.
Molecular consequence: missense variant.
Genome position (GRCh38, 1-based): chr17:56,594,891, C>G. VCF-style: chr17-56594891-C-G. GRCh37 (hg19) VCF-style: chr17-54672252-C-G.
Other names: short protein forms P223R.
Identifiers: ClinVar variation 3775625 (VCV003775625.1).
Genomic context (GRCh38, chr17:56,594,891, plus strand): 5'-TGCGGTGGCGCTGTCAGCGGCGCGGGGGCCAGCGCTGCGGCTGGATTCCCATCCAGTACC[C>G]CATCATTTCCGAGTGCAAGTGCTCGTGCTAGAACTCGGGGGCCCCCTGCCCGCACCCGGA-3'
Protein context (NP_005441.1, residues 213-232): QRCGWIPIQY[Pro223Arg]IISECKCSC

ClinVar aggregate classification (germline): Uncertain significance (1 of 4 stars; one submission).

Conditions:
Proximal symphalangism 1A. Also called: CUSHING SYMPHALANGISM; HEREDITARY ABSENCE OF THE PROXIMAL INTERPHALANGEAL JOINTS. Identifiers: Orphanet 3250, MedGen C3714899, MONDO:0020733, OMIM 185800.

Submission:

3billion
Classification: Uncertain significance for Proximal symphalangism 1A. Last evaluated: 2023-06-14. Review status: criteria provided, single submitter. Criteria: ACMG Guidelines, 2015. Collection method: clinical testing. Allele origin: germline. Affected: yes.
Comment: The variant is not observed in the gnomAD v2.1.1 dataset. Predicted Consequence/Location: Missense variant In silico tool predictions suggest damaging effect of the variant on gene or gene product (REVEL: 0.98; 3Cnet: 0.92). A different missense change at the same codon (p.Pro223Leu) has been reported to be associated with NOG related disorder (ClinVar ID: VCV000006694 /PMID: 10080184). However the evidence of pathogenicity is insufficient at this time. Therefore, this variant is classified as VUS according to the recommendation of ACMG/AMP guideline.

Literature cited by the submitters: PubMed 10080184.